The following continues an entry in ClinVar:

NM_000540.3(RYR1):c.7354C>T (p.Arg2452Trp)

Gene: RYR1. ClinVar aggregate classification (germline): Pathogenic/Likely pathogenic; drug response. Pathogenic (1); Likely pathogenic (1).

Submissions 11 to 25 of 25:

Labcorp Genetics (formerly Invitae), Labcorp
Classification: Pathogenic for RYR1-related disorder. Last evaluated: 2025-11-12. Review status: criteria provided, single submitter. Criteria: Invitae Variant Classification Sherloc (09022015). Collection method: clinical testing. Allele origin: germline. Not counted in ClinVar's aggregate classification.
Comment: This sequence change replaces arginine, which is basic and polar, with tryptophan, which is neutral and slightly polar, at codon 2452 of the RYR1 protein (p.Arg2452Trp). This variant is not present in population databases (gnomAD no frequency). This missense change has been observed in individuals with autosomal dominant congenital myopathies and/or malignant hyperthermia susceptibility (PMID: 10823104, 14985404, 22030266, 22473935, 23394784, 24433488, 25086907). It has also been observed to segregate with disease in related individuals. ClinVar contains an entry for this variant (Variation ID: 65979). Invitae Evidence Modeling of protein sequence and biophysical properties (such as structural, functional, and spatial information, amino acid conservation, physicochemical variation, residue mobility, and thermodynamic stability) indicates that this missense variant is expected to disrupt RYR1 protein function with a positive predictive value of 80%. Experimental studies have shown that this missense change affects RYR1 function (PMID: 25086907, 27857962). For these reasons, this variant has been classified as Pathogenic.

GeneDx
Classification: Pathogenic. Last evaluated: 2025-10-01. Review status: criteria provided, single submitter. Criteria: GeneDx Variant Classification Process June 2021. Collection method: clinical testing. Allele origin: germline. Affected: yes. Not counted in ClinVar's aggregate classification.
Comment: Published functional studies demonstrate a gain-of-function effect with a hypersensitive channel leading to significantly higher calcium release in response to agonist compared to wild type (PMID: 27857962, 25086907); Not observed at significant frequency in large population cohorts (gnomAD); In silico analysis supports that this missense variant has a deleterious effect on protein structure/function; This variant is associated with the following publications: (PMID: 21514828, 25086907, 30499100, 31191425, 16958617, 32721234, 32236737, 31301762, 36939041, 27147545, 37783627, 37510264, 22030266, 23394784, 30236257, 30155738, 28259615, 12059893, 10823104, 27857962, 12668474, 33767344)

Color Diagnostics, LLC DBA Color Health
Classification: Likely pathogenic for Malignant hyperthermia, susceptibility to, 1. Last evaluated: 2025-06-04. Review status: criteria provided, single submitter. Criteria: ACMG Guidelines, 2015. Collection method: clinical testing. Allele origin: germline. Not counted in ClinVar's aggregate classification.
Comment: This missense variant replaces arginine with tryptophan at codon 2452 of the RYR1 protein. Computational prediction tools indicate that this variant has a deleterious impact on protein structure and function. This variant occurs in a region of the RYR1 protein that is considered to be a hotspot for pathogenic variants that contribute to malignant hyperthermia susceptibility (PMID: 21118704). Functional studies using transfected cells have shown that the mutant protein results in hypersensitivity to RYR1 agonists (PMID: 25086907, 27857962). This variant has been reported in six individuals affected with malignant hyperthermia susceptibility (PMID: 10823104, 12059893, 14985404, 24433488, 28259615, 30155738, 30236257) and has been shown to segregate with disease in family studies (PMID: 10823104, 12059893, 14985404, 30236257). This variant has also been reported in two individuals affected with both malignant hyperthermia susceptibility and central core myopathy (PMID: 21514828, 22030266), in five individuals affected with congenital myopathy (PMID: 22473935, 23394784, 25960145), and in an individual affected with central core disease (PMID: 31191425). A different variant affecting the same codon, p.Arg2452Gln, is considered to be disease-causing (ClinVar variation ID: 133201), suggesting that arginine at this position is important for RYR1 protein function. This variant has not been identified in the general population by the Genome Aggregation Database (gnomAD). Based on the available evidence, this variant is classified as Likely Pathogenic.

ARUP Laboratories, Molecular Genetics and Genomics, ARUP Laboratories
Classification: Pathogenic. Last evaluated: 2024-07-15. Review status: criteria provided, single submitter. Criteria: ARUP Molecular Germline Variant Investigation Process 2024. Collection method: clinical testing. Allele origin: germline. Not counted in ClinVar's aggregate classification.
Comment: The RYR1 c.7354C>T; p.Arg2452Trp variant (rs118192124, ClinVar Variation ID: 65979) is reported heterozygous in the literature in individuals affected with malignant hyperthermia and RYRI related congenital myopathies (Chamley 2000, Roesl 2014, Rueffert 2002, Taylor 2012). This variant was found to segregate with disease in multiple families. This variant is absent from the Genome Aggregation Database (v2.1.1), indicating it is not a common polymorphism. Functional analyses of the variant protein show a hypersensitive channel leading to significantly higher calcium release in response to agonist compared to wild type (Roesl 2014). Based on available information, this variant is considered to be pathogenic. References: Chamley D et al. Malignant hyperthermia in infancy and identification of novel RYR1 mutation. Br J Anaesth. 2000 Apr;84(4):500-4. PMID: 10823104. Roesl C et al. Functional characterisation of the R2452W ryanodine receptor variant associated with malignant hyperthermia susceptibility. Cell Calcium. 2014 Sep;56(3):195-201. PMID: 25086907. Rueffert H et al. Mutation screening in the ryanodine receptor 1 gene (RYR1) in patients susceptible to malignant hyperthermia who show definite IVCT results: identification of three novel mutations. Acta Anaesthesiol Scand. 2002 Jul;46(6):692-8. PMID: 12059893. Taylor A et al. A study of a family with the skeletal muscle RYR1 mutation (c.7354C>T) associated with central core myopathy and malignant hyperthermia susceptibility. J Clin Neurosci. 2012 Jan;19(1):65-70. PMID: 22030266.

Blueprint Genetics
Classification: Likely pathogenic for RYR1-related disorders. Last evaluated: 2023-09-20. Review status: criteria provided, single submitter. Criteria: ACMG Guidelines, 2015. Collection method: clinical testing. Allele origin: germline. Affected: yes. Observed: 1 variant allele. Not counted in ClinVar's aggregate classification.

Molecular Genetics, Royal Melbourne Hospital
Classification: Pathogenic for RYR1-related myopathy. Last evaluated: 2023-03-30. Review status: criteria provided, single submitter. Criteria: ACMG Guidelines, 2015. Collection method: clinical testing. Allele origin: germline. Affected: yes. Not counted in ClinVar's aggregate classification.
Comment: This sequence change in RYR1 is predicted to replace arginine with tryptophan at codon 2452, p.(Arg2452Trp). The arginine residue is evolutionarily conserved (100 vertebrates, UCSC), and is located in exon 46 in the central region, amino acids 2101-2458, that is defined as a mutational hotspot. There is a large physicochemical difference between arginine and tryptophan. This variant is absent from gnomAD v2.1 and v3.1, and is a European Malignant Hyperthermia Group diagnostic mutation. This variant has been reported in individuals with confirmed malignant hyperthermia susceptibility and central core myopathy, segregating with disease in multiple families (PMID: 10823104, 12059893, 22030266, 25086907, 30155738, 30236257). RYR1 ex vivo studies in at least three families and an in vitro HEK293 assay demonstrated increased release of calcium ions in response to an RYR1 agonist for the variant (PMID: 25086907). Multiple lines of computational evidence predict a deleterious effect for the missense substitution (5/5 algorithms). Based on the classification scheme RMH Modified ACMG Guidelines v1.4.0, this variant is classified as PATHOGENIC. Following criteria are met: PP1_Strong, PS3_Moderate, PS4_Moderate, PM1, PP3.

Victorian Clinical Genetics Services, Murdoch Childrens Research Institute
Classification: Pathogenic for RYR1-related myopathy. Last evaluated: 2022-02-02. Review status: criteria provided, single submitter. Criteria: ACMG Guidelines, 2015. Collection method: clinical testing. Allele origin: germline. Not counted in ClinVar's aggregate classification.
Comment: Based on the classification scheme VCGS_Germline_v1.3.4, this variant is classified as Pathogenic. Following criteria are met: 0103 - Loss of function and gain of function are known mechanisms of disease in this gene and are associated with RYR1-related disorders (PMID: 27855725, PMID: 23919265). (I) 0108 - This gene is associated with both recessive and dominant disease (OMIM). (I) 0200 - Variant is predicted to result in a missense amino acid change from arginine to tryptophan. (I) 0251 - This variant is heterozygous. (I) 0301 - Variant is absent from gnomAD (both v2 and v3). (SP) 0309 - An alternative amino acid change at the same position has been observed in gnomAD (v2) (1 heterozygote, 0 homozygotes). (I) 0501 - Missense variant consistently predicted to be damaging by multiple in silico tools or highly conserved with a major amino acid change. (SP) 0602 - Variant is located in a hotspot region or cluster of pathogenic variants. This variant is located within one of three established hotspots (PMID: 23919265, DECIPHER). (SP) 0801 - This variant has strong previous evidence of pathogenicity in unrelated individuals. This variant has been reported many times as pathogenic, and observed in heterozygous individuals with malignant hypothermia, congenital myopathy or central core disease (ClinVar, PMID: 25086907, PMID: 25960145). (SP) 1001 - This variant has strong functional evidence supporting abnormal protein function. This variant has been functionally proven in transfected HEK293 cells and patient derived lymphoblastoid cells to result in increased calcium release and hypersensitivity (PMID: 25086907). (I) Legend: (SP) - Supporting pathogenic, (I) - Information, (SB) - Supporting benign

Revvity Omics, Revvity
Classification: Pathogenic. Last evaluated: 2019-12-12. Review status: criteria provided, single submitter. Criteria: ACMG Guidelines, 2015. Collection method: clinical testing. Allele origin: germline. Not counted in ClinVar's aggregate classification.

CeGaT Center for Human Genetics Tuebingen
Classification: Pathogenic. Last evaluated: 2018-11-01. Review status: criteria provided, single submitter. Criteria: CeGaT Center For Human Genetics Tuebingen Variant Classification Criteria Version 2. Collection method: clinical testing. Allele origin: germline. Affected: yes. Observed: 1 variant allele. Not counted in ClinVar's aggregate classification.

Baylor Genetics
Classification: Pathogenic for Central core myopathy. Last evaluated: 2018-10-11. Review status: criteria provided, single submitter. Criteria: ACMG Guidelines, 2015. Collection method: clinical testing. Allele origin: unknown. Affected: yes. Not counted in ClinVar's aggregate classification.
Comment: This variant was determined to be pathogenic according to ACMG Guidelines, 2015 [PMID:25741868].

Athena Diagnostics
Classification: Pathogenic. Last evaluated: 2016-11-03. Review status: criteria provided, single submitter. Criteria: Athena Diagnostics Criteria. Collection method: clinical testing. Allele origin: germline. Not counted in ClinVar's aggregate classification.

PreventionGenetics, part of Exact Sciences
Classification: Pathogenic. Last evaluated: 2016-03-28. Review status: criteria provided, single submitter. Criteria: ACMG Guidelines, 2015. Collection method: clinical testing. Allele origin: germline. Not counted in ClinVar's aggregate classification.

OMIM
Classification: Pathogenic for KING-DENBOROUGH SYNDROME. Last evaluated: 2021-10-11. Review status: no assertion criteria provided. Collection method: literature only. Allele origin: germline. Not counted in ClinVar's aggregate classification.

GeneReviews
Classification: Pathogenic for Central Core Disease. Last evaluated: 2010-05-11. Review status: no assertion criteria provided. Collection method: curation. Allele origin: unknown. Not counted in ClinVar's aggregate classification.
ClinVar note: Converted during submission from pathologic to Pathogenic.

RYR1 database
No classification provided. Review status: no classification provided. Collection method: not provided. Allele origin: unknown. Not counted in ClinVar's aggregate classification.

Literature cited by the submitters: PubMed 10823104 (cited by 6 submitters); PubMed 12059893 (cited by 4 submitters); PubMed 14985404 (cited by 5 submitters); PubMed 22030266 (cited by 6 submitters); PubMed 24433488 (cited by 3 submitters); PubMed 25086907 (cited by 7 submitters); PubMed 21514828 (cited by 3 submitters); PubMed 23394784 (cited by 4 submitters); PubMed 28259615 (cited by Ambry Genetics and Color Diagnostics, LLC DBA Color Health); PubMed 30236257 (cited by 3 submitters); PubMed 32236737 (cited by Ambry Genetics); PubMed 37510264 (cited by Ambry Genetics); PubMed 41153347 (cited by Ambry Genetics); PubMed 22473935 (cited by Labcorp Genetics (formerly Invitae), Labcorp and Color Diagnostics, LLC DBA Color Health); PubMed 27857962 (cited by Labcorp Genetics (formerly Invitae), Labcorp and Color Diagnostics, LLC DBA Color Health); PubMed 21118704 (cited by Color Diagnostics, LLC DBA Color Health); PubMed 25960145 (cited by Color Diagnostics, LLC DBA Color Health and Victorian Clinical Genetics Services, Murdoch Childrens Research Institute); PubMed 30155738 (cited by Color Diagnostics, LLC DBA Color Health and Molecular Genetics, Royal Melbourne Hospital); PubMed 31191425 (cited by Color Diagnostics, LLC DBA Color Health); PubMed 23919265 (cited by Victorian Clinical Genetics Services, Murdoch Childrens Research Institute); PubMed 27855725 (cited by Victorian Clinical Genetics Services, Murdoch Childrens Research Institute); PubMed 16958617 (cited by Athena Diagnostics).